The following is an entry in ClinVar:

NM_014000.3(VCL):c.133G>C (p.Ala45Pro)

Genes: VCL (vinculin; plus strand), LOC130004109 (ATAC-STARR-seq lymphoblastoid active region 3587; plus strand). Cytogenetic location: 10q22.2.
Variant type: single nucleotide variant.
Coding change: c.133G>C on transcript NM_014000.3 (MANE Select); coding-DNA position 133, G replaced by C.
Protein change: p.Ala45Pro; replaces alanine 45 with proline.
Molecular consequence: missense variant.
Genome position (GRCh38, 1-based): chr10:73,998,340, G>C. VCF-style: chr10-73998340-G-C. GRCh37 (hg19) VCF-style: chr10-75758098-G-C.
Other names: c.133G>C, p.Ala45Pro (NM_003373.4); short protein forms A45P.
Identifiers: ClinVar variation 1802223 (VCV001802223.3), dbSNP rs1840154859, ClinGen allele CA377255370.

ClinVar aggregate classification (germline): Uncertain significance (1 of 4 stars; one submission).

Conditions:
Dilated cardiomyopathy 1W (CMD1W). Identifiers: Orphanet 154, MedGen C1969639, MONDO:0012667, OMIM 611407.

Submission:

Diagnostics Services (NGS), CSIR - Centre For Cellular And Molecular Biology
Classification: Uncertain significance for Dilated cardiomyopathy 1W. Last evaluated: 2022-08-11. Review status: criteria provided, single submitter. Criteria: ACMG Guidelines, 2015. Collection method: clinical testing. Allele origin: unknown. Affected: yes. Observed: 1 variant allele, 1 heterozygote.
Comment: The c.133G>C variant is not present in databases like 1000 Genomes, Exome Variant Server (EVS), Exome Aggregation Consortium (ExAC), Genome Aggregation Database (gnomAD) and Indian Exome Database. The variant is not present in our in-house exome database. This variant has not been reported in literatures or to any clinical databases like ClinVar, Human Genome Mutation Database (HGMD) and/or OMIM, in any affected individuals. In-silico pathogenicity prediction programs like Polyphen-2, CADD etc. predicted this variant to be likely deleterious, however these predictions were not confirmed by any published functional studies.